The following is an entry in ClinVar:

ClinVar aggregate classification (germline): Uncertain significance (1 of 4 stars; one submission).

Allele frequency attached by ClinVar (database versions not stated): ExAC 0.00001; gnomAD 0.00001; gnomAD exomes 0.00001 and 0.00002; TOPMed 0.00001.

Submission:

Labcorp Genetics (formerly Invitae), Labcorp
Classification: Uncertain significance. Last evaluated: 2024-10-28. Review status: criteria provided, single submitter. Criteria: Invitae Variant Classification Sherloc (09022015). Collection method: clinical testing. Allele origin: germline.
Comment: This sequence change replaces proline, which is neutral and non-polar, with serine, which is neutral and polar, at codon 164 of the IL12RB2 protein (p.Pro164Ser). This variant is present in population databases (rs201885299, gnomAD 0.05%). This variant has not been reported in the literature in individuals affected with IL12RB2-related conditions. ClinVar contains an entry for this variant (Variation ID: 1363273). An algorithm developed to predict the effect of missense changes on protein structure and function (PolyPhen-2) suggests that this variant is likely to be disruptive. In summary, the available evidence is currently insufficient to determine the role of this variant in disease. Therefore, it has been classified as a Variant of Uncertain Significance.

NM_001374259.2(IL12RB2):c.490C>T (p.Pro164Ser)

Gene: IL12RB2 (interleukin 12 receptor subunit beta 2; plus strand). Cytogenetic location: 1p31.3.
Variant type: single nucleotide variant.
Coding change: c.490C>T on transcript NM_001374259.2 (MANE Select); coding-DNA position 490, C replaced by T.
Protein change: p.Pro164Ser; replaces proline 164 with serine.
Molecular consequence: missense variant. On other transcripts: non-coding transcript variant (2).
Genome position (GRCh38, 1-based): chr1:67,328,210, C>T. VCF-style: chr1-67328210-C-T. GRCh37 (hg19) VCF-style: chr1-67793893-C-T.
Other names: c.490C>T, p.Pro164Ser (NM_001258214.1, NM_001258215.1, NM_001258216.1 and 2 more transcripts); short protein forms P164S.
Identifiers: ClinVar variation 1363273 (VCV001363273.8), dbSNP rs201885299, ClinGen allele CA900218.